The following is an entry in ClinVar:

ClinVar aggregate classification (germline): Uncertain significance (1 of 4 stars; one submission).

gnomAD v4.1: 1 of 1,614,146 alleles (0.000062%); highest among the groups gnomAD compares: Non-Finnish European, 0.000085%; no homozygotes.

Submission:

Women's Health and Genetics/Laboratory Corporation of America, LabCorp
Classification: Uncertain significance. Last evaluated: 2024-08-26. Review status: criteria provided, single submitter. Criteria: LabCorp Variant Classification Summary - May 2015. Collection method: clinical testing. Allele origin: germline.
Comment: Variant summary: DHDDS c.283G>A (p.Asp95Asn) results in a conservative amino acid change in the encoded protein sequence. Four of five in-silico tools predict a benign effect of the variant on protein function. The variant was absent in 251242 control chromosomes. c.283G>A has been reported in the literature in two individuals affected with progressive myoclonus epilepsy and neurodevelopmental disorders (Lv_GNE_2022, Courage_2021). These data indicate that the variant may be associated with disease. At least one publication reports experimental evidence evaluating an impact on protein function. The most pronounced variant effect results in about 50% of normal cisPTase activity activity in patient's tissue (Courage_2021). The following publications have been ascertained in the context of this evaluation (PMID: 33798445, 37356182). No submitters have cited clinical-significance assessments for this variant to ClinVar. Based on the evidence outlined above, the variant was classified as VUS-possibly pathogenic.

Literature cited by the submitters: PubMed 33798445; PubMed 37356182.

NM_205861.3(DHDDS):c.283G>A (p.Asp95Asn)

Gene: DHDDS (dehydrodolichyl diphosphate synthase subunit; plus strand). Cytogenetic location: 1p36.11.
Variant type: single nucleotide variant.
Coding change: c.283G>A on transcript NM_205861.3 (MANE Select); coding-DNA position 283, G replaced by A.
Protein change: p.Asp95Asn; replaces aspartic acid 95 with asparagine.
Molecular consequence: missense variant.
Genome position (GRCh38, 1-based): chr1:26,442,833, G>A. VCF-style: chr1-26442833-G-A. GRCh37 (hg19) VCF-style: chr1-26769324-G-A.
Other names: c.283G>A, p.Asp95Asn (NM_001243564.2, NM_001243565.2, NM_024887.4); c.4G>A, p.Asp2Asn (NM_001319959.2); short protein forms D2N, D95N.
Identifiers: ClinVar variation 3366593 (VCV003366593.1).